The following is an entry in ClinVar:

ClinVar aggregate classification (germline): Uncertain significance. Review status: criteria provided, multiple submitters, no conflicts (2 of 4 stars). 3 submissions from 3 submitters: Uncertain significance (3). Last evaluated 2018-10-31.

Conditions:
Maturity-onset diabetes of the young (MODY). Also called: Maturity onset diabetes mellitus in young. Identifiers: Orphanet 552, MedGen C0342276, MONDO:0018911, HP:0004904.
Maturity-onset diabetes of the young type 1. Also called: MODY type 1; Diabetes mellitus MODY type 1; MODY HNF4A related; HNF4A-Related Maturity-Onset Diabetes of the Young Type 1; MODY, type I; MILD JUVENILE DIABETES MELLITUS. Identifiers: Orphanet 552, MedGen C1852093, MONDO:0007452, OMIM 125850. Disease mechanism: loss of function.
Type 2 diabetes mellitus. Also called: Type II diabetes mellitus. Identifiers: MedGen C0011860, MeSH D003924, MONDO:0005148, OMIM 125853, HP:0005978.
Fanconi renotubular syndrome 4 with maturity-onset diabetes of the young (FRTS4). Also called: FRTS4 WITH MODY. Identifiers: Orphanet 93111, MedGen C4014962, MONDO:0014458, OMIM 616026.

Allele frequency attached by ClinVar (database versions not stated): ExAC 0.00002; gnomAD exomes 0.00002 and 0.00003; TOPMed 0.00002.
gnomAD v4.1: 28 of 1,612,038 alleles (0.0017%); highest among the groups gnomAD compares: East Asian, 0.0089%; no homozygotes.

Submissions (3):

Fulgent Genetics
Classification: Uncertain significance for Maturity-onset diabetes of the young type 1; Type 2 diabetes mellitus; Fanconi renotubular syndrome 4 with maturity-onset diabetes of the young. Last evaluated: 2018-10-31. Review status: criteria provided, single submitter. Criteria: ACMG Guidelines, 2015. Collection method: clinical testing. Allele origin: unknown.

Athena Diagnostics
Classification: Uncertain significance. Last evaluated: 2018-08-06. Review status: criteria provided, single submitter. Criteria: Athena Diagnostics Criteria. Collection method: clinical testing. Allele origin: germline.

Clinical Genomics, Uppaluri K&H Personalized Medicine Clinic
Classification: Uncertain significance for Maturity-onset diabetes of the young. Review status: criteria provided, single submitter. Criteria: K & H Uppaluri Personalized Medicine Clinic Variant Classification & Assertion Criteria_Updated V.1. Collection method: research. Allele origin: unknown. Inheritance: Autosomal dominant inheritance.
Comment: Potent mutations in HNF4A are associated with poor insulin secretion in response to hyperglycemia. Associated with MODY1. Patients initially respond well to sulfonylureas but eventually become insulin dependent. However, more evidence is required to ascertain the role of this particular variant rs199796094 in MODY, yet.

Literature cited by the submitters: DOI 10.1159/000334532 (cited by Clinical Genomics, Uppaluri K&H Personalized Medicine Clinic); PubMed 18268044 (cited by Clinical Genomics, Uppaluri K&H Personalized Medicine Clinic); PubMed 17563455 (cited by Clinical Genomics, Uppaluri K&H Personalized Medicine Clinic); PubMed 32583173 (cited by Clinical Genomics, Uppaluri K&H Personalized Medicine Clinic); PubMed 35052457 (cited by Clinical Genomics, Uppaluri K&H Personalized Medicine Clinic); PubMed 35118593 (cited by Clinical Genomics, Uppaluri K&H Personalized Medicine Clinic).

NM_175914.5(HNF4A):c.53C>T (p.Thr18Met)

Gene: HNF4A (hepatocyte nuclear factor 4 alpha; plus strand). Cytogenetic location: 20q13.12.
Variant type: single nucleotide variant.
Coding change: c.53C>T on transcript NM_175914.5 (MANE Select); coding-DNA position 53, C replaced by T.
Protein change: p.Thr18Met; replaces threonine 18 with methionine.
Molecular consequence: missense variant.
Genome position (GRCh38, 1-based): chr20:44,406,061, C>T. VCF-style: chr20-44406061-C-T. GRCh37 (hg19) VCF-style: chr20-43034701-C-T.
Other names: c.119C>T, p.Thr40Met (NM_000457.6, NM_178849.3, NM_178850.3); c.53C>T, p.Thr18Met (NM_001030003.3, NM_001030004.3); c.98C>T, p.Thr33Met (NM_001258355.2); c.44C>T, p.Thr15Met (NM_001287182.2, NM_001287183.2, NM_001287184.2); short protein forms T15M, T18M, T40M, T33M.
Identifiers: ClinVar variation 586012 (VCV000586012.4), dbSNP rs199796094, ClinGen allele CA9870157.